The following is an entry in ClinVar:

NM_015047.3(EMC1):c.128C>T (p.Ala43Val)

Gene: EMC1 (ER membrane protein complex subunit 1; minus strand). Cytogenetic location: 1p36.13.
Variant type: single nucleotide variant.
Coding change: c.128C>T on transcript NM_015047.3 (MANE Select); coding-DNA position 128, C replaced by T.
Protein change: p.Ala43Val; replaces alanine 43 with valine.
Molecular consequence: missense variant.
Genome position (GRCh38, 1-based): chr1:19,244,998, G>A on the plus strand (C>T on the coding strand, the complement: EMC1 is on the minus strand). VCF-style: chr1-19244998-G-A. GRCh37 (hg19) VCF-style: chr1-19571492-G-A.
Other names: c.128C>T, p.Ala43Val (NM_001271427.2, NM_001271428.2, NM_001271429.2 and 2 more transcripts); c.128C>T (NM_015047.1); short protein forms A43V.
Identifiers: ClinVar variation 1004937 (VCV001004937.9), dbSNP rs754225597, ClinGen allele CA18824374.

ClinVar aggregate classification (germline): Uncertain significance. Review status: criteria provided, multiple submitters, no conflicts (2 of 4 stars). 2 submissions from 2 submitters: Uncertain significance (2). Last evaluated 2021-10-29.

Conditions:
Inborn genetic diseases. Identifiers: MedGen C0950123, MeSH D030342.

Allele frequency attached by ClinVar (database versions not stated): gnomAD exomes below 0.00001 and 0.00001; TOPMed below 0.00001; gnomAD 0.00001.

Submissions (2):

Ambry Genetics
Classification: Uncertain significance for Inborn genetic diseases. Last evaluated: 2021-10-29. Review status: criteria provided, single submitter. Criteria: Ambry Variant Classification Scheme 2023. Collection method: clinical testing. Allele origin: germline.

Labcorp Genetics (formerly Invitae), Labcorp
Classification: Uncertain significance. Last evaluated: 2021-08-12. Review status: criteria provided, single submitter. Criteria: Invitae Variant Classification Sherloc (09022015). Collection method: clinical testing. Allele origin: germline.
Comment: In summary, the available evidence is currently insufficient to determine the role of this variant in disease. Therefore, it has been classified as a Variant of Uncertain Significance. Algorithms developed to predict the effect of missense changes on protein structure and function (SIFT, PolyPhen-2, Align-GVGD) all suggest that this variant is likely to be tolerated, but these predictions have not been confirmed by published functional studies and their clinical significance is uncertain. This variant has not been reported in the literature in individuals with EMC1-related disease. This variant is not present in population databases (ExAC no frequency). This sequence change replaces alanine with valine at codon 43 of the EMC1 protein (p.Ala43Val). The alanine residue is moderately conserved and there is a small physicochemical difference between alanine and valine.